The following is an entry in ClinVar:

ClinVar aggregate classification (germline): Benign/Likely benign. Review status: criteria provided, multiple submitters, no conflicts (2 of 4 stars). 4 submissions from 4 submitters: Benign (1); Likely benign (2). 1 of the submissions does not count toward it. Last evaluated 2025-10-24.

Conditions:
CD164-related disorder. Also called: CD164-related condition.

Allele frequency attached by ClinVar (database versions not stated): gnomAD exomes 0.00039; ExAC 0.00107; ESP Exome Variant Server 0.00139; gnomAD 0.00194 and 0.00210; TOPMed 0.00215; 1000 Genomes Project 0.00280; 1000 Genomes Project 30x 0.00297.
gnomAD v4.1: 548 of 1,587,466 alleles (0.035%); highest among the groups gnomAD compares: African/African-American, 0.62%; 4 homozygotes.

Submissions (4):

Labcorp Genetics (formerly Invitae), Labcorp
Classification: Benign. Last evaluated: 2025-10-24. Review status: criteria provided, single submitter. Criteria: Invitae Variant Classification Sherloc (09022015). Collection method: clinical testing. Allele origin: germline.

GeneDx
Classification: Likely benign. Last evaluated: 2021-03-26. Review status: criteria provided, single submitter. Criteria: GeneDx Variant Classification Process June 2021. Collection method: clinical testing. Allele origin: germline. Affected: yes.

Breakthrough Genomics
Classification: Likely benign. Review status: criteria provided, single submitter. Criteria: ACMG Guidelines, 2015. Collection method: not provided. Allele origin: germline. Inheritance: Autosomal dominant inheritance. Affected: yes.

PreventionGenetics, part of Exact Sciences
Classification: Benign for CD164-related condition. Last evaluated: 2020-06-05. Review status: no assertion criteria provided. Collection method: clinical testing. Allele origin: germline. Not counted in ClinVar's aggregate classification.
Comment: This variant is classified as benign based on ACMG/AMP sequence variant interpretation guidelines (Richards et al. 2015 PMID: 25741868, with internal and published modifications).

NM_006016.6(CD164):c.131C>T (p.Ser44Leu)

Gene: CD164 (CD164 molecule; minus strand). Cytogenetic location: 6q21.
Variant type: single nucleotide variant.
Coding change: c.131C>T on transcript NM_006016.6 (MANE Select); coding-DNA position 131, C replaced by T.
Protein change: p.Ser44Leu; replaces serine 44 with leucine.
Molecular consequence: missense variant.
Genome position (GRCh38, 1-based): chr6:109,382,248, G>A on the plus strand (C>T on the coding strand, the complement: CD164 is on the minus strand). VCF-style: chr6-109382248-G-A. GRCh37 (hg19) VCF-style: chr6-109703451-G-A.
Other names: c.131C>T (NM_006016.5); c.131C>T, p.Ser44Leu (NM_001142401.3, NM_001142402.3, NM_001142403.3 and 1 more transcripts); short protein forms S44L.
Identifiers: ClinVar variation 1317481 (VCV001317481.12), dbSNP rs113902228, ClinGen allele CA3951701.
Genomic context (GRCh38, chr6:109,382,248, plus strand): 5'-CAGGGCCCGCGCCCACCTGGTGCCGGAGTGGTGACCAGCGGGAGGGACGTCACCGGCGCC[G>A]AGGTTACGTTGGAGATGGGCGCTAAAGTCGTCACGTTCGGGTGCTGGGTCGTGTTCTTGT-3'
Protein context (NP_006007.2, residues 34-54): TTLAPISNVT[Ser44Leu]APVTSLPLVT